The following is an entry in ClinVar:

NM_001128178.3(NPHP1):c.1807G>T (p.Asp603Tyr)

Gene: NPHP1 (nephrocystin 1; minus strand). Cytogenetic location: 2q13.
Variant type: single nucleotide variant.
Coding change: c.1807G>T on transcript NM_001128178.3 (MANE Select); coding-DNA position 1807, G replaced by T.
Protein change: p.Asp603Tyr; replaces aspartic acid 603 with tyrosine.
Molecular consequence: missense variant. On other transcripts: 3 prime UTR variant (1).
Genome position (GRCh38, 1-based): chr2:110,124,018, C>A on the plus strand (G>T on the coding strand, the complement: NPHP1 is on the minus strand). VCF-style: chr2-110124018-C-A. GRCh37 (hg19) VCF-style: chr2-110881595-C-A.
Other names: c.1975G>T, p.Asp659Tyr (NM_000272.5); c.1618G>T, p.Asp540Tyr (NM_001128179.3); c.1804G>T, p.Asp602Tyr (NM_001374256.1); c.*49G>T (NM_001374257.1); c.1972G>T, p.Asp658Tyr (NM_207181.4); short protein forms D658Y, D659Y, D603Y, D540Y, D602Y.
Identifiers: ClinVar variation 847918 (VCV000847918.8), dbSNP rs745639828, ClinGen allele CA348086283.

ClinVar aggregate classification (germline): Uncertain significance. Review status: criteria provided, multiple submitters, no conflicts (2 of 4 stars). 2 submissions from 2 submitters: Uncertain significance (2). Last evaluated 2026-09-09.

Conditions:
NPHP1-related disorder. Also called: NPHP1-related condition; NPHP1-related disorders.
Nephronophthisis. Also called: Juvenile Nephronophthisis. Identifiers: Orphanet 655, MedGen C0687120, MONDO:0019005, HP:0000090.

Submissions (2):

PreventionGenetics, part of Exact Sciences
Classification: Uncertain significance for NPHP1-related condition. Last evaluated: 2026-09-09. Review status: criteria provided, single submitter. Criteria: ACMG Guidelines, 2015. Collection method: clinical testing. Allele origin: germline.
Comment: The NPHP1 c.1975G>T variant is predicted to result in the amino acid substitution p.Asp659Tyr. To our knowledge, this variant has not been reported in the literature or in a large population database (gnomAD), indicating this variant is rare. At this time, the clinical significance of this variant is uncertain due to the absence of conclusive functional and genetic evidence.

Labcorp Genetics (formerly Invitae), Labcorp
Classification: Uncertain significance for Nephronophthisis. Last evaluated: 2021-08-28. Review status: criteria provided, single submitter. Criteria: Invitae Variant Classification Sherloc (09022015). Collection method: clinical testing. Allele origin: germline.
Comment: This sequence change replaces aspartic acid with tyrosine at codon 659 of the NPHP1 protein (p.Asp659Tyr). The aspartic acid residue is moderately conserved and there is a large physicochemical difference between aspartic acid and tyrosine. This variant is not present in population databases (ExAC no frequency). This variant has not been reported in the literature in individuals affected with NPHP1-related conditions. Algorithms developed to predict the effect of missense changes on protein structure and function are either unavailable or do not agree on the potential impact of this missense change (SIFT: "Deleterious"; PolyPhen-2: "Probably Damaging"; Align-GVGD: "Class C0"). In summary, the available evidence is currently insufficient to determine the role of this variant in disease. Therefore, it has been classified as a Variant of Uncertain Significance.